The following is an entry in ClinVar:

ClinVar aggregate classification (germline): Pathogenic/Likely pathogenic. Review status: criteria provided, multiple submitters, no conflicts (2 of 4 stars). 3 submissions from 3 submitters: Pathogenic (2); Likely pathogenic (1). Last evaluated 2024-02-01.

Conditions:
COL6A1-related disorder. Also called: COL6A1-related condition.
Bethlem myopathy 1A. Also called: MYOPATHY, BENIGN CONGENITAL, WITH CONTRACTURES; Bethlem myopathy 1; Bethlem Muscular Dystrophy. Identifiers: Orphanet 610, MedGen CN029274, MONDO:0024530, OMIM 158810.

Submissions (3):

Neuberg Centre For Genomic Medicine, NCGM
Classification: Pathogenic for Bethlem myopathy 1A. Last evaluated: 2024-02-01. Review status: criteria provided, single submitter. Criteria: ACMG Guidelines, 2015. Collection method: clinical testing. Allele origin: germline. Inheritance: Autosomal dominant inheritance. Affected: yes.
Comment: This variant disrupts the triple helix domain of COL6A1. Glycine residues within the Gly-Xaa-Yaa repeats of the triple helix domain are required for the structure and stability of fibrillar collagens. In COL6A1, variants at these glycine residues are significantly enriched in individuals with autosomal dominant disease. For these reasons, this variant has been classified as Pathogenic, The amino acid His at position 2441 is changed to a Arg changing protein sequence and it might alter its composition and physico-chemical properties. For these reasons, this variant has been classified as Uncertain Significance, The amino acid Ala at position 126 is changed to a Val changing protein sequence and it might alter its composition and physico-chemical properties. For these reasons, this variant has been classified as Uncertain Significance.

Labcorp Genetics (formerly Invitae), Labcorp
Classification: Pathogenic for Bethlem myopathy 1A. Last evaluated: 2022-08-23. Review status: criteria provided, single submitter. Criteria: Invitae Variant Classification Sherloc (09022015). Collection method: clinical testing. Allele origin: germline.
Comment: This sequence change replaces glycine, which is neutral and non-polar, with arginine, which is basic and polar, at codon 299 of the COL6A1 protein (p.Gly299Arg). This variant is not present in population databases (gnomAD no frequency). This missense change has been observed in individual(s) with autosomal dominant Ullrich congenital muscular dystrophy (PMID: 20976770). In at least one individual the variant was observed to be de novo. ClinVar contains an entry for this variant (Variation ID: 863352). Advanced modeling of protein sequence and biophysical properties (such as structural, functional, and spatial information, amino acid conservation, physicochemical variation, residue mobility, and thermodynamic stability) performed at Invitae indicates that this missense variant is expected to disrupt COL6A1 protein function. This variant disrupts the triple helix domain of COL6A1. Glycine residues within the Gly-Xaa-Yaa repeats of the triple helix domain are required for the structure and stability of fibrillar collagens (PMID: 7695699, 8218237, 19344236). In COL6A1, variants at these glycine residues are significantly enriched in individuals with autosomal dominant disease (PMID: 15689448, 24038877) compared to the general population (ExAC). For these reasons, this variant has been classified as Pathogenic.

Blueprint Genetics
Classification: Likely pathogenic for COL6A1-related disorders. Last evaluated: 2021-12-08. Review status: criteria provided, single submitter. Criteria: ACMG Guidelines, 2015. Collection method: clinical testing. Allele origin: germline. Affected: yes. Observed: 1 variant allele.

Literature cited by the submitters: PubMed 20976770 (cited by Labcorp Genetics (formerly Invitae), Labcorp); PubMed 7695699 (cited by Labcorp Genetics (formerly Invitae), Labcorp); PubMed 8218237 (cited by Labcorp Genetics (formerly Invitae), Labcorp); PubMed 19344236 (cited by Labcorp Genetics (formerly Invitae), Labcorp); PubMed 15689448 (cited by Labcorp Genetics (formerly Invitae), Labcorp); PubMed 24038877 (cited by Labcorp Genetics (formerly Invitae), Labcorp).

NM_001848.3(COL6A1):c.895G>A (p.Gly299Arg)

Gene: COL6A1 (collagen type VI alpha 1 chain; plus strand). Cytogenetic location: 21q22.3.
Variant type: single nucleotide variant.
Coding change: c.895G>A on transcript NM_001848.3 (MANE Select); coding-DNA position 895, G replaced by A.
Protein change: p.Gly299Arg; replaces glycine 299 with arginine.
Molecular consequence: missense variant.
Genome position (GRCh38, 1-based): chr21:45,989,644, G>A. VCF-style: chr21-45989644-G-A. GRCh37 (hg19) VCF-style: chr21-47409558-G-A.
Other names: short protein forms G299R.
Identifiers: ClinVar variation 863352 (VCV000863352.12), dbSNP rs2077762322, ClinGen allele CA410521843.
Genomic context (GRCh38, chr21:45,989,644, plus strand): 5'-TCACCATCTCCTCCTGTGTTCCAGGGAAGACCCGGGGACCTCGGACCTGTTGGGTACCAG[G>A]GAATGAAGGTACGTGCCCCCCCTTTCCTGGCCCGAGCCCGGTGGTGCCCTCAGCCTTGCA-3'
Protein context (NP_001839.2, residues 289-309): PGDLGPVGYQ[Gly299Arg]MKGEKGSRGE